The following is an entry in ClinVar:

NM_000238.4(KCNH2):c.2134G>T (p.Asp712Tyr)

Gene: KCNH2 (potassium voltage-gated channel subfamily H member 2; minus strand). Cytogenetic location: 7q36.1.
Variant type: single nucleotide variant.
Coding change: c.2134G>T on transcript NM_000238.4 (MANE Select); coding-DNA position 2134, G replaced by T.
Protein change: p.Asp712Tyr; replaces aspartic acid 712 with tyrosine.
Molecular consequence: missense variant.
Genome position (GRCh38, 1-based): chr7:150,950,932, C>A on the plus strand (G>T on the coding strand, the complement: KCNH2 is on the minus strand). VCF-style: chr7-150950932-C-A. GRCh37 (hg19) VCF-style: chr7-150648020-C-A.
Other names: c.1114G>T, p.Asp372Tyr (NM_001204798.2, NM_172057.3); c.1846G>T, p.Asp616Tyr (NM_001406753.1, NM_001406756.1); c.1957G>T, p.Asp653Tyr (NM_001406755.1); c.1834G>T, p.Asp612Tyr (NM_001406757.1); c.2134G>T, p.Asp712Tyr (NM_172056.3); short protein forms D372Y, D612Y, D616Y, D653Y, D712Y.
Identifiers: ClinVar variation 2086309 (VCV002086309.4), dbSNP rs199852343, ClinGen allele CA369857338.

ClinVar aggregate classification (germline): Uncertain significance (1 of 4 stars; one submission).

Conditions:
Long QT syndrome (LQTS). Identifiers: MedGen C0023976, MeSH D008133, MONDO:0002442. Disease mechanism: loss of function. Inheritance: Various modes of inheritance.

Submission:

Labcorp Genetics (formerly Invitae), Labcorp
Classification: Uncertain significance for Long QT syndrome. Last evaluated: 2022-01-16. Review status: criteria provided, single submitter. Criteria: Invitae Variant Classification Sherloc (09022015). Collection method: clinical testing. Allele origin: germline.
Comment: In summary, the available evidence is currently insufficient to determine the role of this variant in disease. Therefore, it has been classified as a Variant of Uncertain Significance. Algorithms developed to predict the effect of missense changes on protein structure and function (SIFT, PolyPhen-2, Align-GVGD) all suggest that this variant is likely to be disruptive. This variant has not been reported in the literature in individuals affected with KCNH2-related conditions. This variant is not present in population databases (gnomAD no frequency). This sequence change replaces aspartic acid, which is acidic and polar, with tyrosine, which is neutral and polar, at codon 712 of the KCNH2 protein (p.Asp712Tyr).